The following is an entry in ClinVar:

NM_001458.5(FLNC):c.1614C>T (p.Tyr538=)

Gene: FLNC (filamin C; plus strand). Cytogenetic location: 7q32.1.
Variant type: single nucleotide variant.
Coding change: c.1614C>T on transcript NM_001458.5 (MANE Select); coding-DNA position 1614, C replaced by T.
Protein change: p.Tyr538=; no amino-acid change (tyrosine 538 retained).
Molecular consequence: synonymous variant.
Genome position (GRCh38, 1-based): chr7:128,840,612, C>T. VCF-style: chr7-128840612-C-T. GRCh37 (hg19) VCF-style: chr7-128480666-C-T.
Other names: p.Tyr538=; c.1614C>T, p.Tyr538= (NM_001127487.2).
Identifiers: ClinVar variation 129082 (VCV000129082.31), dbSNP rs76046880, ClinGen allele CA152838.

ClinVar aggregate classification (germline): Benign. Review status: criteria provided, multiple submitters, no conflicts (2 of 4 stars). 14 submissions from 14 submitters: Benign (10). 4 of the submissions do not count toward it. Last evaluated 2026-02-04.

Conditions:
Myofibrillar myopathy 5. Also called: Filaminopathy (type); FILAMINOPATHY, AUTOSOMAL DOMINANT. Identifiers: Orphanet 171445, MedGen C1836050, MONDO:0012289, OMIM 609524.
Distal myopathy with posterior leg and anterior hand involvement. Also called: WILLIAMS DISTAL MYOPATHY. Identifiers: Orphanet 63273, MedGen C3279722, MONDO:0013550, OMIM 614065.
Hypertrophic cardiomyopathy 26. Also called: Cardiomyopathy, familial hypertrophic, 26. Identifiers: Orphanet 75249, MedGen C4310749, MONDO:0014883, OMIM 617047.
Cardiovascular phenotype. Identifiers: MedGen CN230736.

Allele frequency attached by ClinVar (database versions not stated): 1000 Genomes Project 30x 0.01546; 1000 Genomes Project 0.01597; TOPMed 0.02360; ESP Exome Variant Server 0.02738; gnomAD 0.02957 and 0.02993; gnomAD exomes 0.03129; ExAC 0.03154.
gnomAD v4.1: 54,542 of 1,614,176 alleles (3.4%); highest among the groups gnomAD compares: Non-Finnish European, 3.7%; 1,144 homozygotes.

Submissions (14):

Labcorp Genetics (formerly Invitae), Labcorp
Classification: Benign for Distal myopathy with posterior leg and anterior hand involvement; Myofibrillar myopathy 5; Hypertrophic cardiomyopathy 26. Last evaluated: 2026-02-04. Review status: criteria provided, single submitter. Criteria: Invitae Variant Classification Sherloc (09022015). Collection method: clinical testing. Allele origin: germline.

Molecular Diagnostic Laboratory for Inherited Cardiovascular Disease, Montreal Heart Institute
Classification: Benign. Last evaluated: 2025-04-09. Review status: criteria provided, single submitter. Criteria: ACMG Guidelines, 2015. Collection method: clinical testing. Allele origin: germline. Affected: no.

Blueprint Genetics
Classification: Benign. Last evaluated: 2024-11-27. Review status: criteria provided, single submitter. Criteria: ACMG Guidelines, 2015. Collection method: clinical testing. Allele origin: germline.

Women's Health and Genetics/Laboratory Corporation of America, LabCorp
Classification: Benign. Last evaluated: 2023-07-29. Review status: criteria provided, single submitter. Criteria: LabCorp Variant Classification Summary - May 2015. Collection method: clinical testing. Allele origin: germline.

Mayo Clinic Laboratories, Mayo Clinic
Classification: Benign. Last evaluated: 2022-04-26. Review status: criteria provided, single submitter. Criteria: ACMG Guidelines, 2015. Collection method: clinical testing. Allele origin: germline. Observed: 124 variant alleles.

Ambry Genetics
Classification: Benign for Cardiovascular phenotype. Last evaluated: 2018-12-28. Review status: criteria provided, single submitter. Criteria: Ambry Variant Classification Scheme 2023. Collection method: clinical testing. Allele origin: germline.

GeneDx
Classification: Benign. Last evaluated: 2016-07-07. Review status: criteria provided, single submitter. Criteria: GeneDx Variant Classification (06012015). Collection method: clinical testing. Allele origin: germline. Affected: yes.
Comment: This variant is considered likely benign or benign based on one or more of the following criteria: it is a conservative change, it occurs at a poorly conserved position in the protein, it is predicted to be benign by multiple in silico algorithms, and/or has population frequency not consistent with disease.

Laboratory for Molecular Medicine, Mass General Brigham Personalized Medicine
Classification: Benign. Last evaluated: 2015-01-13. Review status: criteria provided, single submitter. Criteria: LMM Criteria. Collection method: clinical testing. Allele origin: germline. Observed: 1 variant allele.
Comment: p.Tyr538Tyr in exon 10 of FLNC: This variant is not expected to have clinical si gnificance because it does not alter an amino acid residue and is not located wi thin the splice consensus sequence. It has been identified in 3.5% (295/8498) of European American chromosomes from a broad population by the NHLBI Exome Sequen cing Project (dbSNP rs76046880).

Breakthrough Genomics
Classification: Benign. Review status: criteria provided, single submitter. Criteria: ACMG Guidelines, 2015. Collection method: not provided. Allele origin: germline. Inheritance: Autosomal dominant inheritance. Affected: yes.

PreventionGenetics, part of Exact Sciences
Classification: Benign. Review status: criteria provided, single submitter. Criteria: ACMG Guidelines, 2015. Collection method: clinical testing. Allele origin: germline.

Clinical Genetics, Academic Medical Center
Classification: Benign. Review status: no assertion criteria provided. Collection method: clinical testing. Allele origin: germline. Affected: yes. Study: VKGL Data-share Consensus. Not counted in ClinVar's aggregate classification.

Genetic Services Laboratory, University of Chicago
Classification: Likely benign for AllHighlyPenetrant. Review status: no assertion criteria provided. Collection method: clinical testing. Allele origin: germline. Inheritance: Autosomal dominant inheritance. Not counted in ClinVar's aggregate classification.
Comment: Likely benign based on allele frequency in 1000 Genomes Project or ESP global frequency and its presence in a patient with a rare or unrelated disease phenotype. NOT Sanger confirmed.

Joint Genome Diagnostic Labs from Nijmegen and Maastricht, Radboudumc and MUMC+
Classification: Benign. Review status: no assertion criteria provided. Collection method: clinical testing. Allele origin: germline. Affected: yes. Study: VKGL Data-share Consensus. Not counted in ClinVar's aggregate classification.

Laboratory of Diagnostic Genome Analysis, Leiden University Medical Center (LUMC)
Classification: Likely benign. Review status: no assertion criteria provided. Collection method: clinical testing. Allele origin: germline. Affected: yes. Study: VKGL Data-share Consensus. Not counted in ClinVar's aggregate classification.